The following is an entry in ClinVar:

ClinVar aggregate classification (germline): Uncertain significance (1 of 4 stars; one submission).

Conditions:
Cardiovascular phenotype. Identifiers: MedGen CN230736.

gnomAD v4.1: 3 of 1,613,042 alleles (0.00019%); highest among the groups gnomAD compares: South Asian, 0.0033%; no homozygotes.

Submission:

Ambry Genetics
Classification: Uncertain significance for Cardiovascular phenotype. Last evaluated: 2024-12-08. Review status: criteria provided, single submitter. Criteria: Ambry Variant Classification Scheme 2023. Collection method: clinical testing. Allele origin: germline.
Comment: The p.E374G variant (also known as c.1121A>G), located in coding exon 3 of the MYPN gene, results from an A to G substitution at nucleotide position 1121. The glutamic acid at codon 374 is replaced by glycine, an amino acid with similar properties. This amino acid position is highly conserved in available vertebrate species. In addition, this alteration is predicted to be tolerated by in silico analysis. Based on the available evidence, the clinical significance of this variant remains unclear.

NM_032578.4(MYPN):c.1121A>G (p.Glu374Gly)

Gene: MYPN (myopalladin; plus strand). Cytogenetic location: 10q21.3.
Variant type: single nucleotide variant.
Coding change: c.1121A>G on transcript NM_032578.4 (MANE Select); coding-DNA position 1121, A replaced by G.
Protein change: p.Glu374Gly; replaces glutamic acid 374 with glycine.
Molecular consequence: missense variant. On other transcripts: non-coding transcript variant (2).
Genome position (GRCh38, 1-based): chr10:68,145,517, A>G. VCF-style: chr10-68145517-A-G. GRCh37 (hg19) VCF-style: chr10-69905274-A-G.
Other names: c.1121A>G, p.Glu374Gly (NM_001256267.2); c.239A>G, p.Glu80Gly (NM_001256268.2); short protein forms E80G, E374G.
Identifiers: ClinVar variation 3402121 (VCV003402121.1).
Genomic context (GRCh38, chr10:68,145,517, plus strand): 5'-TTGTTTTTATTTTTCCAGGGGTTTCTTCTTCTGACTCAGAAGGCGACCCTAACAAGGAAG[A>G]GATGAATCGGTAATTCTGATTTTCTGTCTTATAGCTTTAGCATCCTCAGATCAATTAATA-3'
Protein context (NP_115967.2, residues 364-384): SDSEGDPNKE[Glu374Gly]MNRIQKPNEV